The following is an entry in ClinVar:

ClinVar aggregate classification (germline): Likely benign. Review status: criteria provided, multiple submitters, no conflicts (2 of 4 stars). 2 submissions from 2 submitters: Likely benign (2). Last evaluated 2026-04-01.

Conditions:
Developmental and epileptic encephalopathy, 33 (DEE33). Also called: Epileptic encephalopathy, early infantile, 33. Identifiers: Orphanet 442835, MedGen C4225337, MONDO:0014625, OMIM 616409.

Allele frequency attached by ClinVar (database versions not stated): gnomAD 0.00002; gnomAD exomes 0.00002 and 0.00001; TOPMed 0.00002; ExAC 0.00002.

Submissions (2):

CeGaT Center for Human Genetics Tuebingen
Classification: Likely benign. Last evaluated: 2026-04-01. Review status: criteria provided, single submitter. Criteria: CeGaT Center For Human Genetics Tuebingen Variant Classification Criteria Version 2. Collection method: clinical testing. Allele origin: germline. Affected: yes. Observed: 2 variant alleles.
Comment: EEF1A2: BP4, BP7

Labcorp Genetics (formerly Invitae), Labcorp
Classification: Likely benign for Developmental and epileptic encephalopathy, 33. Last evaluated: 2025-08-18. Review status: criteria provided, single submitter. Criteria: Invitae Variant Classification Sherloc (09022015). Collection method: clinical testing. Allele origin: germline.

NM_001958.5(EEF1A2):c.582C>T (p.Ser194=)

Gene: EEF1A2 (eukaryotic translation elongation factor 1 alpha 2; minus strand). Cytogenetic location: 20q13.33.
Variant type: single nucleotide variant.
Coding change: c.582C>T on transcript NM_001958.5 (MANE Select); coding-DNA position 582, C replaced by T.
Protein change: p.Ser194=; no amino-acid change (serine 194 retained).
Molecular consequence: synonymous variant.
Genome position (GRCh38, 1-based): chr20:63,494,844, G>A on the plus strand (C>T on the coding strand, the complement: EEF1A2 is on the minus strand). VCF-style: chr20-63494844-G-A. GRCh37 (hg19) VCF-style: chr20-62126197-G-A.
Identifiers: ClinVar variation 1664180 (VCV001664180.21), dbSNP rs759785829, ClinGen allele CA9959075.